The following is an entry in ClinVar:

ClinVar aggregate classification (germline): Uncertain significance (1 of 4 stars; one submission).

Conditions:
KBG syndrome (KBGS). Also called: ANKRD11-Related KBG Syndrome. Identifiers: Orphanet 2332, MedGen C0220687, MONDO:0007846, OMIM 148050.

gnomAD v4.1: 1 of 1,612,914 alleles (0.000062%); highest among the groups gnomAD compares: Admixed American, 0.0017%; no homozygotes.

Submission:

Labcorp Genetics (formerly Invitae), Labcorp
Classification: Uncertain significance for KBG syndrome. Last evaluated: 2025-04-17. Review status: criteria provided, single submitter. Criteria: Invitae Variant Classification Sherloc (09022015). Collection method: clinical testing. Allele origin: germline.
Comment: This sequence change replaces aspartic acid, which is acidic and polar, with glutamic acid, which is acidic and polar, at codon 1490 of the ANKRD11 protein (p.Asp1490Glu). This variant is not present in population databases (gnomAD no frequency). This variant has not been reported in the literature in individuals affected with ANKRD11-related conditions. ClinVar contains an entry for this variant (Variation ID: 2875519). Invitae Evidence Modeling of protein sequence and biophysical properties (such as structural, functional, and spatial information, amino acid conservation, physicochemical variation, residue mobility, and thermodynamic stability) indicates that this missense variant is not expected to disrupt ANKRD11 protein function with a negative predictive value of 95%. In summary, the available evidence is currently insufficient to determine the role of this variant in disease. Therefore, it has been classified as a Variant of Uncertain Significance.

NM_013275.6(ANKRD11):c.4470C>G (p.Asp1490Glu)

Gene: ANKRD11 (ankyrin repeat domain 11; minus strand). Cytogenetic location: 16q24.3.
Variant type: single nucleotide variant.
Coding change: c.4470C>G on transcript NM_013275.6 (MANE Select); coding-DNA position 4470, C replaced by G.
Protein change: p.Asp1490Glu; replaces aspartic acid 1490 with glutamic acid.
Molecular consequence: missense variant.
Genome position (GRCh38, 1-based): chr16:89,282,072, G>C on the plus strand (C>G on the coding strand, the complement: ANKRD11 is on the minus strand). VCF-style: chr16-89282072-G-C. GRCh37 (hg19) VCF-style: chr16-89348480-G-C.
Other names: c.4470C>G, p.Asp1490Glu (NM_001256182.2, NM_001256183.2); short protein forms D1490E.
Identifiers: ClinVar variation 2875519 (VCV002875519.3), dbSNP rs747406445, ClinGen allele CA397157505.